The following is an entry in ClinVar:

ClinVar aggregate classification (germline): Uncertain significance (1 of 4 stars; one submission).

Conditions:
Melanoma, cutaneous malignant, susceptibility to, 8. Also called: MELANOMA AND RENAL CELL CARCINOMA, SUSCEPTIBILITY TO; Cutaneous malignant melanoma 8. Identifiers: Orphanet 293822, MedGen C3152204, MONDO:0013759, OMIM 614456.
Tietz syndrome (TADS). Also called: TIETZ ALBINISM-DEAFNESS SYNDROME; ALBINISM-DEAFNESS OF TIETZ; HYPOPIGMENTATION/DEAFNESS OF TIETZ. Identifiers: Orphanet 42665, MedGen C0391816, MONDO:0007077, OMIM 103500.
Waardenburg syndrome type 2A (WS2A). Also called: WAARDENBURG SYNDROME WITHOUT DYSTOPIA CANTHORUM. Identifiers: Orphanet 3440, MedGen C1860339, MONDO:0008671, OMIM 193510.

Submission:

Labcorp Genetics (formerly Invitae), Labcorp
Classification: Uncertain significance for Melanoma, cutaneous malignant, susceptibility to, 8; Waardenburg syndrome type 2A; Tietz syndrome. Last evaluated: 2025-09-25. Review status: criteria provided, single submitter. Criteria: Invitae Variant Classification Sherloc (09022015). Collection method: clinical testing. Allele origin: germline.
Comment: This sequence change replaces glutamic acid, which is acidic and polar, with lysine, which is basic and polar, at codon 416 of the MITF protein (p.Glu416Lys). This variant is not present in population databases (gnomAD no frequency). This variant has not been reported in the literature in individuals affected with MITF-related conditions. An algorithm developed to predict the effect of missense changes on protein structure and function (PolyPhen-2) suggests that this variant is likely to be tolerated. In summary, the available evidence is currently insufficient to determine the role of this variant in disease. Therefore, it has been classified as a Variant of Uncertain Significance.

NM_001354604.2(MITF):c.1567G>A (p.Glu523Lys)

Gene: MITF (melanocyte inducing transcription factor; plus strand). Cytogenetic location: 3p13.
Variant type: single nucleotide variant.
Coding change: c.1567G>A on transcript NM_001354604.2 (MANE Select); coding-DNA position 1567, G replaced by A.
Protein change: p.Glu523Lys; replaces glutamic acid 523 with lysine.
Molecular consequence: missense variant.
Genome position (GRCh38, 1-based): chr3:69,965,234, G>A. VCF-style: chr3-69965234-G-A. GRCh37 (hg19) VCF-style: chr3-70014385-G-A.
Other names: c.1246G>A, p.Glu416Lys (NM_000248.4); c.1393G>A, p.Glu465Lys (NM_001184967.2, NM_001354608.2); c.1564G>A, p.Glu522Lys (NM_001354605.2); c.1546G>A, p.Glu516Lys (NM_001354606.2, NM_006722.3); c.1498G>A, p.Glu500Lys (NM_001354607.2); c.1228G>A, p.Glu410Lys (NM_198158.3); c.1549G>A, p.Glu517Lys (NM_198159.3); c.1501G>A, p.Glu501Lys (NM_198177.3); and 1 more; short protein forms E410K, E522K, E500K, E516K, E416K, E354K, E465K, E501K.
Identifiers: ClinVar variation 4786232 (VCV004786232.1).